The following is an entry in ClinVar:

ClinVar aggregate classification (germline): Pathogenic (1 of 4 stars; one submission).

Conditions:
DeSanto-Shinawi syndrome due to WAC point mutation (DESSH). Also called: DEVELOPMENTAL DELAY, BEHAVIORAL ABNORMALITIES, FACIAL DYSMORPHISM, AND OCULAR ABNORMALITIES; WAC-Related Intellectual Disability; Facial dysmorphism-developmental delay-behavioral abnormalities syndrome due to WAC point mutation. Identifiers: Orphanet 284169, Orphanet 466950, MedGen C5681129, MONDO:0014741, OMIM 616708.

Submission:

Variantyx, Inc.
Classification: Pathogenic for DeSanto-Shinawi syndrome due to WAC point mutation. Last evaluated: 2025-10-19. Review status: criteria provided, single submitter. Criteria: Variantyx Assertion Criteria 2022. Collection method: clinical testing. Allele origin: de novo. Inheritance: Autosomal dominant inheritance. Affected: yes.
Comment: This is a nonsense variant in the WAC gene (OMIM: 615049). Pathogenic variants in this gene have been associated with autosomal dominant Desanto-Shinawi syndrome. This variant introduces a premature termination codon in exon 8 out of 14 and is expected to result in loss of function, which is a known disease mechanism for WAC in this disorder (PMID: 27119754) (PVS1). This variant is absent from control populations (PM2).¬†This variant has not been reported in individuals with WAC-related disorders in the databases available for review. Based on the current evidence, this variant is classified as pathogenic for autosomal dominant Desanto-Shinawi syndrome.

Literature cited by the submitters: PubMed 27119754.

NM_016628.5(WAC):c.947C>G (p.Ser316Ter)

Gene: WAC (WW domain containing adaptor with coiled-coil; plus strand). Cytogenetic location: 10p12.1.
Variant type: single nucleotide variant.
Coding change: c.947C>G on transcript NM_016628.5 (MANE Select); coding-DNA position 947, C replaced by G.
Protein change: p.Ser316Ter; replaces serine 316 with a stop codon.
Molecular consequence: nonsense.
Genome position (GRCh38, 1-based): chr10:28,608,213, C>G. VCF-style: chr10-28608213-C-G. GRCh37 (hg19) VCF-style: chr10-28897142-C-G.
Other names: c.812C>G, p.Ser271Ter (NM_100264.3); c.638C>G, p.Ser213Ter (NM_100486.4); short protein forms S213*, S271*, S316*.
Identifiers: ClinVar variation 4813800 (VCV004813800.1).
Genomic context (GRCh38, chr10:28,608,213, plus strand): 5'-GTAATTTTTCAGGCTGATTATCTTTTTATTTAGAATCTACATCAGGAGACAAACCCGTAT[C>G]ACATTCTTGCACAACTCCTTCCACGTCTTCTGCCTCTGGACTGAACCCCACATCTGCACC-3'